The following is an entry in ClinVar:

NM_002291.3(LAMB1):c.937A>G (p.Met313Val)

Gene: LAMB1 (laminin subunit beta 1; minus strand). Cytogenetic location: 7q31.1.
Variant type: single nucleotide variant.
Coding change: c.937A>G on transcript NM_002291.3 (MANE Select); coding-DNA position 937, A replaced by G.
Protein change: p.Met313Val; replaces methionine 313 with valine.
Molecular consequence: missense variant.
Genome position (GRCh38, 1-based): chr7:107,978,110, T>C on the plus strand (A>G on the coding strand, the complement: LAMB1 is on the minus strand). VCF-style: chr7-107978110-T-C. GRCh37 (hg19) VCF-style: chr7-107618555-T-C.
Other names: short protein forms M313V.
Identifiers: ClinVar variation 4046050 (VCV004046050.3).

ClinVar aggregate classification (germline): Uncertain significance. Review status: criteria provided, multiple submitters, no conflicts (2 of 4 stars). 2 submissions from 2 submitters: Uncertain significance (2). Last evaluated 2026-10-08.

Conditions:
Inborn genetic diseases. Identifiers: MedGen C0950123, MeSH D030342.

gnomAD v4.1: 21 of 1,614,144 alleles (0.0013%); highest among the groups gnomAD compares: African/African-American, 0.02%; no homozygotes.

Submissions (2):

GeneDx
Classification: Uncertain significance. Last evaluated: 2026-10-08. Review status: criteria provided, single submitter. Criteria: GeneDx Variant Classification Process June 2021. Collection method: clinical testing. Allele origin: germline.
Comment: In silico analysis suggests that this missense variant does not alter protein structure/function; Has not been previously published as pathogenic or benign to our knowledge; This variant is associated with the following publications: (PMID: 23472759)

Ambry Genetics
Classification: Uncertain significance for Inborn genetic diseases. Last evaluated: 2025-05-26. Review status: criteria provided, single submitter. Criteria: Ambry Variant Classification Scheme 2023. Collection method: clinical testing. Allele origin: germline.